The following is an entry in ClinVar:

ClinVar aggregate classification (germline): Uncertain significance (1 of 4 stars; one submission).

gnomAD v4.1: 2 of 1,604,246 alleles (0.00012%); highest among the groups gnomAD compares: Non-Finnish European, 0.00017%; no homozygotes.

Submission:

GeneDx
Classification: Uncertain significance. Last evaluated: 2018-05-11. Review status: criteria provided, single submitter. Criteria: GeneDx Variant Classification (06012015). Collection method: clinical testing. Allele origin: germline. Affected: yes.
Comment: The S1884L variant in the ANKRD11 gene has not been reported previously as a pathogenic variant, nor as a benign variant, to our knowledge. The S1884L variant is not observed in large population cohorts (Lek et al., 2016). The S1884L variant is a non-conservative amino acid substitution, which is likely to impact secondary protein structure as these residues differ in polarity, charge, size and/or other properties. In-silico analyses, including protein predictors and evolutionary conservation, support that this variant does not alter protein structure/function. We interpret S1884L as a variant of uncertain significance.

NM_013275.6(ANKRD11):c.5651C>T (p.Ser1884Leu)

Gene: ANKRD11 (ankyrin repeat domain containing 11; minus strand). Cytogenetic location: 16q24.3.
Variant type: single nucleotide variant.
Coding change: c.5651C>T on transcript NM_013275.6 (MANE Select); coding-DNA position 5651, C replaced by T.
Protein change: p.Ser1884Leu; replaces serine 1884 with leucine.
Molecular consequence: missense variant.
Genome position (GRCh38, 1-based): chr16:89,280,891, G>A on the plus strand (C>T on the coding strand, the complement: ANKRD11 is on the minus strand). VCF-style: chr16-89280891-G-A. GRCh37 (hg19) VCF-style: chr16-89347299-G-A.
Other names: c.5651C>T, p.Ser1884Leu (NM_001256182.2, NM_001256183.2); short protein forms S1884L.
Identifiers: ClinVar variation 546185 (VCV000546185.2), dbSNP rs1555526636, ClinGen allele CA397153331.